The following is an entry in ClinVar:

NM_001429.4(EP300):c.2997+6A>G

Genes: EP300 (EP300 lysine acetyltransferase; plus strand), LOC126863158 (BRD4-independent group 4 enhancer GRCh37_chr22:41547383-41548582; plus strand). Cytogenetic location: 22q13.2.
Variant type: single nucleotide variant.
Coding change: c.2997+6A>G on transcript NM_001429.4 (MANE Select); 6 bases into the intron after coding-DNA position 2997, A replaced by G.
Molecular consequence: intron variant.
Genome position (GRCh38, 1-based): chr22:41,152,018, A>G. VCF-style: chr22-41152018-A-G. GRCh37 (hg19) VCF-style: chr22-41548022-A-G.
Other names: c.2919+6A>G (NM_001362843.2).
Identifiers: ClinVar variation 3726254 (VCV003726254.2).

ClinVar aggregate classification (germline): Uncertain significance (1 of 4 stars; one submission).

Conditions:
Rubinstein-Taybi syndrome due to EP300 haploinsufficiency. Also called: EP300-Related Rubinstein-Taybi Syndrome; RUBINSTEIN-TAYBI SYNDROME 2. Identifiers: Orphanet 353284, Orphanet 783, MedGen C3150941, MONDO:0013364, OMIM 613684.

gnomAD v4.1: 1 of 1,614,180 alleles (0.000062%); highest among the groups gnomAD compares: Non-Finnish European, 0.000085%; no homozygotes.

Submission:

Labcorp Genetics (formerly Invitae), Labcorp
Classification: Uncertain significance for Rubinstein-Taybi syndrome due to EP300 haploinsufficiency. Last evaluated: 2024-11-27. Review status: criteria provided, single submitter. Criteria: Invitae Variant Classification Sherloc (09022015). Collection method: clinical testing. Allele origin: germline.
Comment: This sequence change falls in intron 15 of the EP300 gene. It does not directly change the encoded amino acid sequence of the EP300 protein. It affects a nucleotide within the consensus splice site. This variant is not present in population databases (gnomAD no frequency). This variant has not been reported in the literature in individuals affected with EP300-related conditions. Variants that disrupt the consensus splice site are a relatively common cause of aberrant splicing (PMID: 17576681, 9536098). Algorithms developed to predict the effect of sequence changes on RNA splicing suggest that this variant is not likely to affect RNA splicing. In summary, the available evidence is currently insufficient to determine the role of this variant in disease. Therefore, it has been classified as a Variant of Uncertain Significance.

Literature cited by the submitters: PubMed 17576681; PubMed 9536098.